The following is an entry in ClinVar:

NM_001110556.2(FLNA):c.2878C>G (p.Pro960Ala)

Gene: FLNA (filamin A; minus strand). Cytogenetic location: Xq28.
Variant type: single nucleotide variant.
Coding change: c.2878C>G on transcript NM_001110556.2 (MANE Select); coding-DNA position 2878, C replaced by G.
Protein change: p.Pro960Ala; replaces proline 960 with alanine.
Molecular consequence: missense variant.
Genome position (GRCh38, 1-based): chrX:154,361,736, G>C on the plus strand (C>G on the coding strand, the complement: FLNA is on the minus strand). VCF-style: chrX-154361736-G-C. GRCh37 (hg19) VCF-style: chrX-153590104-G-C.
Other names: c.2878C>G, p.Pro960Ala (NM_001456.4); short protein forms P960A.
Identifiers: ClinVar variation 5017921 (VCV005017921.1).

ClinVar aggregate classification (germline): Uncertain significance (1 of 4 stars; one submission).

Submission:

GeneDx
Classification: Uncertain significance. Last evaluated: 2026-03-30. Review status: criteria provided, single submitter. Criteria: GeneDx Variant Classification Process June 2021. Collection method: clinical testing. Allele origin: germline.
Comment: In silico analysis supports that this missense variant has a deleterious effect on protein structure/function; Has not been previously published as pathogenic or benign to our knowledge